The following is an entry in ClinVar:

ClinVar aggregate classification (germline): Conflicting classifications of pathogenicity. Review status: criteria provided, conflicting classifications (1 of 4 stars). 2 submissions from 2 submitters: Uncertain significance (1); Likely benign (1). Last evaluated 2025-12-09.

Conditions:
Heterotopia, periventricular, X-linked dominant (PVNH1). Also called: PERIVENTRICULAR NODULAR HETEROTOPIA 4; HETEROTOPIA, PERIVENTRICULAR, 1; PERIVENTRICULAR NODULAR HETEROTOPIA 1; X-linked periventricular heterotopia. Identifiers: Orphanet 2149, Orphanet 82004, MedGen C1848213, MONDO:0010233, OMIM 300049.
Melnick-Needles syndrome (MNS). Also called: Melnick-Needles Syndrome (FLNA-MNS); MELNICK-NEEDLES OSTEODYSPLASTY; OSTEODYSPLASTY OF MELNICK AND NEEDLES. Identifiers: Orphanet 2484, MedGen C0025237, MONDO:0010650, OMIM 309350.
Frontometaphyseal dysplasia (FMD1). Identifiers: Orphanet 1826, MedGen C0265293, MONDO:0015942.
Oto-palato-digital syndrome, type II (OPD2). Also called: Otopalatodigital Syndrome Type 2 (FLNA-OPD2); Otopalatodigital Syndrome, Type II; FACIOPALATOOSSEOUS SYNDROME; OPD II SYNDROME. Identifiers: Orphanet 669, Orphanet 90652, MedGen C1844696, MONDO:0010571, OMIM 304120.
Familial thoracic aortic aneurysm and aortic dissection (TAAD). Also called: Thoracic aortic aneurysms and dissections. Identifiers: Orphanet 91387, MedGen C4707243, MONDO:0019625.

Allele frequency attached by ClinVar (database versions not stated): ExAC 0.00001; gnomAD 0.00001; gnomAD exomes 0.00001.

Submissions (2):

Labcorp Genetics (formerly Invitae), Labcorp
Classification: Likely benign for Oto-palato-digital syndrome, type II; Heterotopia, periventricular, X-linked dominant; Frontometaphyseal dysplasia; Melnick-Needles syndrome. Last evaluated: 2025-12-09. Review status: criteria provided, single submitter. Criteria: Invitae Variant Classification Sherloc (09022015). Collection method: clinical testing. Allele origin: germline.

Ambry Genetics
Classification: Uncertain significance for Familial thoracic aortic aneurysm and aortic dissection. Last evaluated: 2016-06-23. Review status: criteria provided, single submitter. Criteria: Ambry Variant Classification Scheme 2023. Collection method: clinical testing. Allele origin: germline.
Comment: The p.R563H variant (also known as c.1688G>A), located in coding exon 10 of the FLNA gene, results from a G to A substitution at nucleotide position 1688. The arginine at codon 563 is replaced by histidine, an amino acid with highly similar properties. This variant was not reported in population based cohorts in the following databases: Database of Single Nucleotide Polymorphisms (dbSNP), NHLBI Exome Sequencing Project (ESP), and 1000 Genomes Project. In the ESP, this variant was not observed in 6324 samples with coverage at this position. This amino acid position is well conserved in available vertebrate species. In addition, the in silico prediction for this alteration is inconclusive. Since supporting evidence is limited at this time, the clinical significance of this alteration remains unclear.

NM_001110556.2(FLNA):c.1688G>A (p.Arg563His)

Gene: FLNA (filamin A; minus strand). Cytogenetic location: Xq28.
Variant type: single nucleotide variant.
Coding change: c.1688G>A on transcript NM_001110556.2 (MANE Select); coding-DNA position 1688, G replaced by A.
Protein change: p.Arg563His; replaces arginine 563 with histidine.
Molecular consequence: missense variant.
Genome position (GRCh38, 1-based): chrX:154,365,139, C>T on the plus strand (G>A on the coding strand, the complement: FLNA is on the minus strand). VCF-style: chrX-154365139-C-T. GRCh37 (hg19) VCF-style: chrX-153593507-C-T.
Other names: c.1688G>A, p.Arg563His (NM_001456.4); short protein forms R563H.
Identifiers: ClinVar variation 589302 (VCV000589302.15), dbSNP rs781852373, ClinGen allele CA10561118.